The following is an entry in ClinVar:

ClinVar aggregate classification (germline): Uncertain significance (1 of 4 stars; one submission).

Conditions:
Dilated cardiomyopathy 2B. Identifiers: Orphanet 154, MedGen C3553409, MONDO:0013848, OMIM 614672.

Submission:

Labcorp Genetics (formerly Invitae), Labcorp
Classification: Uncertain significance for Dilated cardiomyopathy 2B. Last evaluated: 2022-02-15. Review status: criteria provided, single submitter. Criteria: Invitae Variant Classification Sherloc (09022015). Collection method: clinical testing. Allele origin: germline.
Comment: In summary, the available evidence is currently insufficient to determine the role of this variant in disease. Therefore, it has been classified as a Variant of Uncertain Significance. This variant has not been reported in the literature in individuals affected with GATAD1-related conditions. This variant is not present in population databases (gnomAD no frequency). This sequence change creates a premature translational stop signal (p.Ala44Glyfs*37) in the GATAD1 gene. It is expected to result in an absent or disrupted protein product. However, the current clinical and genetic evidence is not sufficient to establish whether loss-of-function variants in GATAD1 cause disease.

NM_021167.5(GATAD1):c.131_144del (p.Ala44fs)

Genes: GATAD1 (GATA zinc finger domain containing 1; plus strand), LOC129998793 (ATAC-STARR-seq lymphoblastoid silent region 18371; plus strand). Cytogenetic location: 7q21.2.
Variant type: Deletion.
Coding change: c.131_144del on transcript NM_021167.5 (MANE Select); coding-DNA positions 131 to 144, 14 bases deleted (CAGGCTCGGGGGCG).
Protein change: p.Ala44fs; shifts the reading frame from alanine 44.
Molecular consequence: frameshift variant. On other transcripts: non-coding transcript variant (1).
Genome position (GRCh38, 1-based): chr7:92,447,860-92,447,873, CAGGCTCGGGGGCG deleted; deleting any 14 consecutive bases within chr7:92,447,852-92,447,873 gives the same sequence; the c. name uses the placement nearest the transcript's 3' end. VCF-style (leftmost placement, unchanged base first): chr7-92447851-GCGGGGGCGCAGGCT-G. GRCh37 (hg19) VCF-style: chr7-92077165-GCGGGGGCGCAGGCT-G.
Other names: short protein forms A44fs.
Identifiers: ClinVar variation 2158044 (VCV002158044.4), dbSNP rs2484515375, ClinGen allele CA2580077466.